The following is an entry in ClinVar:

ClinVar aggregate classification (germline): Uncertain significance (1 of 4 stars; one submission).

Conditions:
Inborn genetic diseases. Identifiers: MedGen C0950123, MeSH D030342.

Submission:

Ambry Genetics
Classification: Uncertain significance for Inborn genetic diseases. Last evaluated: 2020-06-25. Review status: criteria provided, single submitter. Criteria: Ambry Variant Classification Scheme 2023. Collection method: clinical testing. Allele origin: germline.
Comment: The p.S72C variant (also known as c.215C>G), located in coding exon 2 of the TFG gene, results from a C to G substitution at nucleotide position 215. The serine at codon 72 is replaced by cysteine, an amino acid with dissimilar properties. This amino acid position is highly conserved in available vertebrate species. In addition, the in silico prediction for this alteration is inconclusive. Since supporting evidence is limited at this time, the clinical significance of this alteration remains unclear.

NM_006070.6(TFG):c.215C>G (p.Ser72Cys)

Gene: TFG (trafficking from ER to golgi regulator; plus strand). Cytogenetic location: 3q12.2.
Variant type: single nucleotide variant.
Coding change: c.215C>G on transcript NM_006070.6 (MANE Select); coding-DNA position 215, C replaced by G.
Protein change: p.Ser72Cys; replaces serine 72 with cysteine.
Molecular consequence: missense variant.
Genome position (GRCh38, 1-based): chr3:100,720,005, C>G. VCF-style: chr3-100720005-C-G. GRCh37 (hg19) VCF-style: chr3-100438849-C-G.
Other names: c.215C>G, p.Ser72Cys (NM_001007565.2, NM_001195478.2, NM_001195479.2); short protein forms S72C.
Identifiers: ClinVar variation 1786863 (VCV001786863.2), dbSNP rs2472074393, ClinGen allele CA353839129.